The following is an entry in ClinVar:

NM_000742.4(CHRNA2):c.132C>A (p.Pro44=)

Gene: CHRNA2 (cholinergic receptor nicotinic alpha 2 subunit; minus strand). Cytogenetic location: 8p21.2.
Variant type: single nucleotide variant.
Coding change: c.132C>A on transcript NM_000742.4 (MANE Select); coding-DNA position 132, C replaced by A.
Protein change: p.Pro44=; no amino-acid change (proline 44 retained).
Molecular consequence: synonymous variant. On other transcripts: 5 prime UTR variant (4).
Genome position (GRCh38, 1-based): chr8:27,469,923, G>T on the plus strand (C>A on the coding strand, the complement: CHRNA2 is on the minus strand). VCF-style: chr8-27469923-G-T. GRCh37 (hg19) VCF-style: chr8-27327440-G-T.
Other names: c.132C>A, p.Pro44= (NM_001282455.2); c.-296C>A (NM_001347705.2); c.-341C>A (NM_001347706.2); c.-282C>A (NM_001347707.2); c.-330C>A (NM_001347708.2).
Identifiers: ClinVar variation 513318 (VCV000513318.5), dbSNP rs1397983639, ClinGen allele CA460046883.

ClinVar aggregate classification (germline): Likely benign. Review status: criteria provided, multiple submitters, no conflicts (2 of 4 stars). 2 submissions from 2 submitters: Likely benign (2). Last evaluated 2023-12-23.

Conditions:
Familial sleep-related hypermotor epilepsy. Also called: Autosomal Dominant Sleep-Related Hypermotor (Hyperkinetic) Epilepsy. Identifiers: Orphanet 98784, MedGen C3696898, MONDO:0000030.

Allele frequency attached by ClinVar (database versions not stated): gnomAD exomes below 0.00001.
gnomAD v4.1: 4 of 1,614,152 alleles (0.00025%); highest among the groups gnomAD compares: Non-Finnish European, 0.00034%; no homozygotes.

Submissions (2):

Labcorp Genetics (formerly Invitae), Labcorp
Classification: Likely benign. Last evaluated: 2023-12-23. Review status: criteria provided, single submitter. Criteria: Invitae Variant Classification Sherloc (09022015). Collection method: clinical testing. Allele origin: germline.

GeneDx
Classification: Likely benign. Last evaluated: 2017-11-14. Review status: criteria provided, single submitter. Criteria: GeneDx Variant Classification (06012015). Collection method: clinical testing. Allele origin: germline. Affected: yes.
Comment: This variant is considered likely benign or benign based on one or more of the following criteria: it is a conservative change, it occurs at a poorly conserved position in the protein, it is predicted to be benign by multiple in silico algorithms, and/or has population frequency not consistent with disease.